The following is an entry in ClinVar:

ClinVar aggregate classification (germline): Uncertain significance (1 of 4 stars; one submission).

Conditions:
FUS-related disorder. Also called: FUS-related condition.

gnomAD v4.1: 2 of 1,614,000 alleles (0.00012%); highest among the groups gnomAD compares: Non-Finnish European, 0.00017%; no homozygotes.

Submission:

PreventionGenetics, part of Exact Sciences
Classification: Uncertain significance for FUS-related condition. Last evaluated: 2026-03-03. Review status: criteria provided, single submitter. Criteria: ACMG Guidelines, 2015. Collection method: clinical testing. Allele origin: germline.
Comment: The FUS c.355A>G variant is predicted to result in the amino acid substitution p.Ser119Gly. To our knowledge, this variant has not been reported in the literature or in a large population database (gnomAD), indicating this variant is rare. At this time, the clinical significance of this variant is uncertain due to the absence of conclusive functional and genetic evidence.

NM_004960.4(FUS):c.355A>G (p.Ser119Gly)

Gene: FUS (FUS RNA binding protein; plus strand). Cytogenetic location: 16p11.2.
Variant type: single nucleotide variant.
Coding change: c.355A>G on transcript NM_004960.4 (MANE Select); coding-DNA position 355, A replaced by G.
Protein change: p.Ser119Gly; replaces serine 119 with glycine.
Molecular consequence: missense variant. On other transcripts: non-coding transcript variant (1).
Genome position (GRCh38, 1-based): chr16:31,184,228, A>G. VCF-style: chr16-31184228-A-G. GRCh37 (hg19) VCF-style: chr16-31195549-A-G.
Other names: c.352A>G, p.Ser118Gly (NM_001170634.1); c.355A>G, p.Ser119Gly (NM_001170937.1); short protein forms S118G, S119G.
Identifiers: ClinVar variation 4985166 (VCV004985166.1).
Genomic context (GRCh38, chr16:31,184,228, plus strand): 5'-ATGCTGGGATTGTGATTGTGTTTTTTGTTTGTTTTCCCTAGTTACGGTAGCAGTTCTCAG[A>G]GCAGCAGCTATGGGCAGCCCCAGAGTGGGAGCTACAGCCAGCAGCCTAGCTATGGTGGAC-3'
Protein context (NP_004951.1, residues 109-129): TSGSYGSSSQ[Ser119Gly]SSYGQPQSGS